The following is an entry in ClinVar:

ClinVar aggregate classification (germline): Pathogenic (1 of 4 stars; one submission).

Conditions:
Cystinuria (CSNU). Also called: CYSTINURIA, TYPE I; CYSTINURIA, TYPE II; CYSTINURIA, TYPE III; Cystinuria, non-type I. Identifiers: Orphanet 214, MedGen C0010691, MONDO:0009067, OMIM 220100, HP:0003131.

Submission:

Labcorp Genetics (formerly Invitae), Labcorp
Classification: Pathogenic for Cystinuria. Last evaluated: 2024-08-31. Review status: criteria provided, single submitter. Criteria: Invitae Variant Classification Sherloc (09022015). Collection method: clinical testing. Allele origin: germline.
Comment: This sequence change creates a premature translational stop signal (p.Tyr236Phefs*21) in the SLC3A1 gene. It is expected to result in an absent or disrupted protein product. Loss-of-function variants in SLC3A1 are known to be pathogenic (PMID: 24610330, 25109415, 25964309). This variant is not present in population databases (gnomAD no frequency). This variant has not been reported in the literature in individuals affected with SLC3A1-related conditions. For these reasons, this variant has been classified as Pathogenic.

Literature cited by the submitters: PubMed 24610330; PubMed 25109415; PubMed 25964309.

NM_000341.4(SLC3A1):c.707del (p.Tyr236fs)

Gene: SLC3A1 (solute carrier family 3 member 1; plus strand). Cytogenetic location: 2p21.
Variant type: Deletion.
Coding change: c.707del on transcript NM_000341.4 (MANE Select); coding-DNA position 707, one base deleted (A; older notation c.707delA).
Protein change: p.Tyr236fs; shifts the reading frame from tyrosine 236.
Molecular consequence: frameshift variant.
Genome position (GRCh38, 1-based): chr2:44,281,483, A deleted. VCF-style (leftmost placement, unchanged base first): chr2-44281482-TA-T. GRCh37 (hg19) VCF-style: chr2-44508621-TA-T.
Other names: short protein forms Y236fs.
Identifiers: ClinVar variation 3660353 (VCV003660353.2).
Genomic context (GRCh38, chr2:44,281,482, plus strand): 5'-ACGAGTGATAAACATATTTGGTTTCAATTGAGTCGGACACGGACAGGAAAATATACTGAT[TA>T]TTATATCTGGCATGACTGTACCCATGAAAATGGCAAAACCATTCCACCCAACAACTGGGT-3'